The following is an entry in ClinVar:

NM_207034.3(EDN3):c.265C>T (p.Pro89Ser)

Gene: EDN3 (endothelin 3; plus strand). Cytogenetic location: 20q13.32.
Variant type: single nucleotide variant.
Coding change: c.265C>T on transcript NM_207034.3 (MANE Select); coding-DNA position 265, C replaced by T.
Protein change: p.Pro89Ser; replaces proline 89 with serine.
Molecular consequence: missense variant.
Genome position (GRCh38, 1-based): chr20:59,301,622, C>T. VCF-style: chr20-59301622-C-T. GRCh37 (hg19) VCF-style: chr20-57876677-C-T.
Other names: c.265C>T, p.Pro89Ser (NM_001302455.2, NM_001302456.2, NM_001424361.1 and 4 more transcripts); c.265C>T (NM_207034.2); short protein forms P89S.
Identifiers: ClinVar variation 4680886 (VCV004680886.2).

ClinVar aggregate classification (germline): Uncertain significance. Review status: criteria provided, multiple submitters, no conflicts (2 of 4 stars). 2 submissions from 2 submitters: Uncertain significance (2). Last evaluated 2026-01-13.

Conditions:
EDN3-related disorder. Also called: EDN3-related condition.

gnomAD v4.1: 21 of 1,614,104 alleles (0.0013%); highest among the groups gnomAD compares: African/African-American, 0.017%; no homozygotes.

Submissions (2):

PreventionGenetics, part of Exact Sciences
Classification: Uncertain significance for EDN3-related condition. Last evaluated: 2026-01-13. Review status: criteria provided, single submitter. Criteria: ACMG Guidelines, 2015. Collection method: clinical testing. Allele origin: germline.
Comment: The EDN3 c.265C>T variant is predicted to result in the amino acid substitution p.Pro89Ser. To our knowledge, this variant has not been reported in the literature. This variant is reported in 0.040% of alleles in individuals of African descent in gnomAD. At this time, the clinical significance of this variant is uncertain due to the absence of conclusive functional and genetic evidence.

GeneDx
Classification: Uncertain significance. Last evaluated: 2025-07-02. Review status: criteria provided, single submitter. Criteria: GeneDx Variant Classification Process June 2021. Collection method: clinical testing. Allele origin: germline. Affected: yes.
Comment: In silico analysis supports that this missense variant has a deleterious effect on protein structure/function; Has not been previously published as pathogenic or benign to our knowledge